The following is an entry in ClinVar:

NM_001042492.3(NF1):c.7837C>T (p.Pro2613Ser)

Gene: NF1 (neurofibromin 1; plus strand). Cytogenetic location: 17q11.2.
Variant type: single nucleotide variant.
Coding change: c.7837C>T on transcript NM_001042492.3 (MANE Select); coding-DNA position 7837, C replaced by T.
Protein change: p.Pro2613Ser; replaces proline 2613 with serine.
Molecular consequence: missense variant.
Genome position (GRCh38, 1-based): chr17:31,357,058, C>T. VCF-style: chr17-31357058-C-T. GRCh37 (hg19) VCF-style: chr17-29684076-C-T.
Other names: c.7774C>T, p.Pro2592Ser (NM_000267.4); short protein forms P2592S, P2613S.
Identifiers: ClinVar variation 484112 (VCV000484112.16), dbSNP rs138839077, ClinGen allele CA8487669.

ClinVar aggregate classification (germline): Conflicting classifications of pathogenicity. Review status: criteria provided, conflicting classifications (1 of 4 stars). 5 submissions from 5 submitters: Uncertain significance (4); Likely benign (1). Last evaluated 2025-04-11.

Conditions:
Cardiovascular phenotype. Identifiers: MedGen CN230736.
Hereditary cancer-predisposing syndrome. Also called: Hereditary neoplastic syndrome; Neoplastic Syndromes, Hereditary; Tumor predisposition; Hereditary Cancer Syndrome. Identifiers: Orphanet 140162, MedGen C0027672, MeSH D009386, MONDO:0015356.
Juvenile myelomonocytic leukemia (JMML). Also called: LEUKEMIA, JUVENILE MYELOMONOCYTIC, SOMATIC. Identifiers: Orphanet 86834, MedGen C0349639, MONDO:0011908, OMIM 607785, HP:0012209.
Neurofibromatosis-Noonan syndrome (NFNS). Also called: NEUROFIBROMATOSIS WITH NOONAN PHENOTYPE. Identifiers: Orphanet 638, MedGen C2931482, MONDO:0011035, OMIM 601321. Disease mechanism: loss of function.
Neurofibromatosis, familial spinal (FSNF). Identifiers: Orphanet 636, MedGen C1834235, MONDO:0008078, OMIM 162210. Disease mechanism: loss of function.
Neurofibromatosis, type 1 (NF1). Also called: VON RECKLINGHAUSEN DISEASE; Peripheral type neurofibromatosis; NEUROFIBROMATOSIS, TYPE I, SOMATIC; Neurofibromatosis, type I. Identifiers: Orphanet 636, MedGen C0027831, MONDO:0018975, OMIM 162200. Disease mechanism: loss of function.
Café-au-lait macules with pulmonary stenosis (WTSN). Also called: PULMONIC STENOSIS WITH CAFE-AU-LAIT SPOTS. Identifiers: MedGen C0553586, MONDO:0008672, OMIM 193520.

Allele frequency attached by ClinVar (database versions not stated): TOPMed below 0.00001; ExAC 0.00001; gnomAD 0.00001; ESP Exome Variant Server 0.00008; gnomAD exomes below 0.00001.
gnomAD v4.1: 3 of 1,613,662 alleles (0.00019%); highest among the groups gnomAD compares: African/African-American, 0.004%; no homozygotes.

Submissions (5):

Labcorp Genetics (formerly Invitae), Labcorp
Classification: Likely benign for Neurofibromatosis, type 1. Last evaluated: 2025-04-11. Review status: criteria provided, single submitter. Criteria: Invitae Variant Classification Sherloc (09022015). Collection method: clinical testing. Allele origin: germline.

Fulgent Genetics
Classification: Uncertain significance for Neurofibromatosis, type 1; Neurofibromatosis, familial spinal; Café-au-lait macules with pulmonary stenosis; Neurofibromatosis-Noonan syndrome; Juvenile myelomonocytic leukemia. Last evaluated: 2024-03-26. Review status: criteria provided, single submitter. Criteria: ACMG Guidelines, 2015. Collection method: clinical testing. Allele origin: germline.

Baylor Genetics
Classification: Uncertain significance for Juvenile myelomonocytic leukemia. Last evaluated: 2024-03-14. Review status: criteria provided, single submitter. Criteria: ACMG Guidelines, 2015. Collection method: clinical testing. Allele origin: unknown.

Genome-Nilou Lab
Classification: Uncertain significance for Neurofibromatosis, type 1. Last evaluated: 2022-03-15. Review status: criteria provided, single submitter. Criteria: ACMG Guidelines, 2015. Collection method: clinical testing. Allele origin: germline. Affected: no.

Ambry Genetics
Classification: Uncertain significance for Cardiovascular phenotype; Hereditary cancer-predisposing syndrome. Last evaluated: 2022-02-25. Review status: criteria provided, single submitter. Criteria: Ambry Variant Classification Scheme 2023. Collection method: clinical testing. Allele origin: germline.
Comment: The p.P2592S variant (also known as c.7774C>T), located in coding exon 52 of the NF1 gene, results from a C to T substitution at nucleotide position 7774. The proline at codon 2592 is replaced by serine, an amino acid with similar properties. This amino acid position is highly conserved in available vertebrate species. In addition, the in silico prediction for this alteration is inconclusive. Since supporting evidence is limited at this time, the clinical significance of this alteration remains unclear.